The following is an entry in ClinVar:

ClinVar aggregate classification (germline): Uncertain significance. Review status: criteria provided, multiple submitters, no conflicts (2 of 4 stars). 5 submissions from 5 submitters: Uncertain significance (4). 1 of the submissions does not count toward it. Last evaluated 2025-09-10.

Conditions:
Cardiomyopathy (CMYO). Also called: Cardiomyopathies. Identifiers: Orphanet 167848, MedGen C0878544, MONDO:0004994, HP:0001638. Inheritance: Various modes of inheritance.
Duchenne muscular dystrophy (DMD). Also called: MUSCULAR DYSTROPHY, PSEUDOHYPERTROPHIC PROGRESSIVE, DUCHENNE TYPE; Duchenne Muscular Dystrophy (DMD). Identifiers: Orphanet 98896, MedGen C0013264, MONDO:0010679, OMIM 310200.
Becker muscular dystrophy (BMD). Also called: Becker Muscular Dystrophy (BMD); MUSCULAR DYSTROPHY, PSEUDOHYPERTROPHIC PROGRESSIVE, BECKER TYPE. Identifiers: Orphanet 98895, MedGen C0917713, MONDO:0010311, OMIM 300376.
Dystrophin deficiency.
Dilated cardiomyopathy 3B (CMD3B). Also called: CMD3B: DMD-Related Dilated Cardiomyopathy; CARDIOMYOPATHY, DILATED, X-LINKED; DMD-Associated Dilated Cardiomyopathy. Identifiers: Orphanet 154, MedGen C3668940, MONDO:0010542, OMIM 302045.
Cardiovascular phenotype. Identifiers: MedGen CN230736.

Allele frequency attached by ClinVar (database versions not stated): gnomAD exomes below 0.00001; ExAC 0.00001; TOPMed 0.00001.
gnomAD v4.1: 1 of 1,211,291 alleles (0.000083%); highest among the groups gnomAD compares: Non-Finnish European, 0.00011%; no homozygotes.

Submissions (5):

Labcorp Genetics (formerly Invitae), Labcorp
Classification: Uncertain significance for Duchenne muscular dystrophy. Last evaluated: 2025-09-10. Review status: criteria provided, single submitter. Criteria: Invitae Variant Classification Sherloc (09022015). Collection method: clinical testing. Allele origin: germline.
Comment: This sequence change replaces threonine, which is neutral and polar, with serine, which is neutral and polar, at codon 565 of the DMD protein (p.Thr565Ser). This variant is not present in population databases (gnomAD no frequency). This variant has not been reported in the literature in individuals affected with DMD-related conditions. ClinVar contains an entry for this variant (Variation ID: 228581). Invitae Evidence Modeling of protein sequence and biophysical properties (such as structural, functional, and spatial information, amino acid conservation, physicochemical variation, residue mobility, and thermodynamic stability) indicates that this missense variant is not expected to disrupt DMD protein function with a negative predictive value of 95%. In summary, the available evidence is currently insufficient to determine the role of this variant in disease. Therefore, it has been classified as a Variant of Uncertain Significance.

Ambry Genetics
Classification: Uncertain significance for Cardiovascular phenotype. Last evaluated: 2023-05-26. Review status: criteria provided, single submitter. Criteria: Ambry Variant Classification Scheme 2023. Collection method: clinical testing. Allele origin: germline.
Comment: The p.T565S variant (also known as c.1693A>T), located in coding exon 14 of the DMD gene, results from an A to T substitution at nucleotide position 1693. The threonine at codon 565 is replaced by serine, an amino acid with similar properties. This amino acid position is well conserved in available vertebrate species. In addition, this alteration is predicted to be tolerated by in silico analysis. Since supporting evidence is limited at this time, the clinical significance of this alteration remains unclear.

Fulgent Genetics
Classification: Uncertain significance for Becker muscular dystrophy; Dilated cardiomyopathy 3B; Duchenne muscular dystrophy. Last evaluated: 2021-09-16. Review status: criteria provided, single submitter. Criteria: ACMG Guidelines, 2015. Collection method: clinical testing. Allele origin: unknown.

Laboratory for Molecular Medicine, Mass General Brigham Personalized Medicine
Classification: Uncertain significance. Last evaluated: 2015-07-09. Review status: criteria provided, single submitter. Criteria: LMM Criteria. Collection method: clinical testing. Allele origin: germline. Observed: 1 variant allele.
Comment: The p.Thr565Ser variant in DMD has not been previously reported in individuals w ith cardiomyopathy, but has been identified in 1/45839 European chromosomes by t he Exome Aggregation Consortium (ExAC; dbSNP rs7 66450050). Computational prediction tools and conservation analysis suggest that this variant may not impact the protein, though this information is not predict ive enough to rule out pathogenicity. In summary, the clinical significance of t he p.Thr565Ser variant is uncertain.

Natera, Inc.
Classification: Uncertain significance for Becker muscular dystrophy; Cardiomyopathy; Duchenne muscular dystrophy; Dystrophin deficiency. Last evaluated: 2019-03-18. Review status: no assertion criteria provided. Collection method: clinical testing. Allele origin: germline. Not counted in ClinVar's aggregate classification.

NM_004006.3(DMD):c.1693A>T (p.Thr565Ser)

Gene: DMD (dystrophin; minus strand). Cytogenetic location: Xp21.1.
Variant type: single nucleotide variant.
Coding change: c.1693A>T on transcript NM_004006.3 (MANE Select); coding-DNA position 1693, A replaced by T.
Protein change: p.Thr565Ser; replaces threonine 565 with serine.
Molecular consequence: missense variant.
Genome position (GRCh38, 1-based): chrX:32,573,756, T>A on the plus strand (A>T on the coding strand, the complement: DMD is on the minus strand). VCF-style: chrX-32573756-T-A. GRCh37 (hg19) VCF-style: chrX-32591873-T-A.
Other names: c.1669A>T, p.Thr557Ser (NM_000109.4); c.1681A>T, p.Thr561Ser (NM_004009.3); c.1324A>T, p.Thr442Ser (NM_004010.3); short protein forms T565S, T557S, T561S, T442S.
Identifiers: ClinVar variation 228581 (VCV000228581.16), dbSNP rs766450050, ClinGen allele CA10379766.